The following is an entry in ClinVar:

ClinVar aggregate classification (germline): Benign/Likely benign. Review status: criteria provided, multiple submitters, no conflicts (2 of 4 stars). 2 submissions from 2 submitters: Benign (1); Likely benign (1). Last evaluated 2018-01-12.

Conditions:
Catecholaminergic polymorphic ventricular tachycardia 2. Also called: VENTRICULAR TACHYCARDIA, STRESS-INDUCED POLYMORPHIC 2; CASQ2-Related Catecholaminergic Polymorphic Ventricular Tachycardia. Identifiers: Orphanet 3286, MedGen C2677794, MONDO:0012762, OMIM 611938.

Allele frequency attached by ClinVar (database versions not stated): gnomAD exomes 0.59853; gnomAD 0.65650 and 0.65651; TOPMed 0.66793; 1000 Genomes Project 0.71785; 1000 Genomes Project 30x 0.72111.
gnomAD v4.1: 110,663 of 170,186 alleles (65%); highest among the groups gnomAD compares: African/African-American, 78%; 36,907 homozygotes.

Submissions (2):

Illumina Laboratory Services, Illumina
Classification: Benign for Catecholaminergic polymorphic ventricular tachycardia 2. Last evaluated: 2018-01-12. Review status: criteria provided, single submitter. Criteria: ICSL Variant Classification Criteria 13 December 2019. Collection method: clinical testing. Allele origin: germline.
Comment: This variant was observed in the ICSL laboratory as part of a predisposition screen in an ostensibly healthy population. It had not been previously curated by ICSL or reported in the Human Gene Mutation Database (HGMD: prior to June 1st, 2018), and was therefore a candidate for classification through an automated scoring system. Utilizing variant allele frequency, disease prevalence and penetrance estimates, and inheritance mode, an automated score was calculated to assess if this variant is too frequent to cause the disease. Based on the score and internal cut-off values, a variant classified as benign is not then subjected to further curation. The score for this variant resulted in a classification of benign for this disease.

Breakthrough Genomics
Classification: Likely benign. Review status: criteria provided, single submitter. Criteria: ACMG Guidelines, 2015. Collection method: not provided. Allele origin: germline. Inheritance: Autosomal recessive inheritance. Affected: yes.

NM_001232.4(CASQ2):c.*632G>C

Gene: CASQ2 (calsequestrin 2; minus strand). Cytogenetic location: 1p13.1.
Variant type: single nucleotide variant.
Coding change: c.*632G>C on transcript NM_001232.4 (MANE Select); 632 bases downstream of the stop codon, G replaced by C.
Molecular consequence: 3 prime UTR variant.
Genome position (GRCh38, 1-based): chr1:115,700,609, C>G on the plus strand (G>C on the coding strand, the complement: CASQ2 is on the minus strand). VCF-style: chr1-115700609-C-G. GRCh37 (hg19) VCF-style: chr1-116243230-C-G.
Identifiers: ClinVar variation 292120 (VCV000292120.9), dbSNP rs1140238, ClinGen allele CA10607595.